The following is an entry in ClinVar:

ClinVar aggregate classification (germline): Conflicting classifications of pathogenicity. Review status: criteria provided, conflicting classifications (1 of 4 stars). 3 submissions from 3 submitters: Likely pathogenic (1); Uncertain significance (2). Last evaluated 2024-07-18.

Conditions:
Developmental and epileptic encephalopathy 94 (DEE94). Also called: CHD2-Related Neurodevelopmental Disorders; Epileptic encephalopathy, childhood-onset. Identifiers: Orphanet 1942, Orphanet 2382, MedGen C3809278, MONDO:0014150, OMIM 615369.

Allele frequency attached by ClinVar (database versions not stated): gnomAD exomes below 0.00001.
gnomAD v4.1: 2 of 1,613,730 alleles (0.00012%); highest among the groups gnomAD compares: Non-Finnish European, 0.00017%; no homozygotes.

Submissions (3):

GeneDx
Classification: Uncertain significance. Last evaluated: 2024-07-18. Review status: criteria provided, single submitter. Criteria: GeneDx Variant Classification Process June 2021. Collection method: clinical testing. Allele origin: germline. Affected: yes.
Comment: Not observed at significant frequency in large population cohorts (gnomAD); In silico analysis supports that this missense variant has a deleterious effect on protein structure/function; Has not been previously published as pathogenic or benign to our knowledge

Labcorp Genetics (formerly Invitae), Labcorp
Classification: Uncertain significance for Developmental and epileptic encephalopathy 94. Last evaluated: 2020-06-21. Review status: criteria provided, single submitter. Criteria: Invitae Variant Classification Sherloc (09022015). Collection method: clinical testing. Allele origin: germline.
Comment: In summary, the available evidence is currently insufficient to determine the role of this variant in disease. Therefore, it has been classified as a Variant of Uncertain Significance. Algorithms developed to predict the effect of missense changes on protein structure and function are either unavailable or do not agree on the potential impact of this missense change (SIFT: "Deleterious"; PolyPhen-2: "Benign"; Align-GVGD: "Class C65"). This variant has not been reported in the literature in individuals with CHD2-related conditions. This variant is not present in population databases (ExAC no frequency). This sequence change replaces arginine with cysteine at codon 1268 of the CHD2 protein (p.Arg1268Cys). The arginine residue is highly conserved and there is a large physicochemical difference between arginine and cysteine.

New York Genome Center
Classification: Likely pathogenic for Developmental and epileptic encephalopathy 94. Last evaluated: 2020-05-15. Review status: criteria provided, single submitter. Criteria: NYGC Assertion Criteria 2020. Collection method: clinical testing. Allele origin: de novo. Observed: 1 heterozygote. Study: CSER-NYCKidSeq.
Comment: The de novo c.3802C>T (p.Arg1268Cys) variant identified in the CHD gene substitutes a well conserved Arginine for Cystine at amino acid 1268/1829 (coding exon 30/39). This variant is absent from gnomAD(v3.0) suggesting it is not a common benign variant in the populations represented in that database. In silico algorithms predict this variant to be Deleterious (Provean; score: -3.83) and Damaging (SIFT; score: 0.04) to the function of the canonical transcript. This variant is absent from ClinVar, although a different amino acid change at the same amino acid is reported there as a Variant of Uncertain Significance (p.Arg1268His; VarID:648951). To our current knowledge this variant has not been reported in affected individuals in the literature. The p.Arg1268 residue is not within a mapped domain of CHD2 (UniProtKB: O14647). While most pathogenic variants previously described in CHD2 are nonsense, frameshift, or missense variants within the Helicase domains, more recently missense variants outside of mapped domains have been described in individuals with CHD2-associated seizure disorders. Hoelz et.al (2020) also reported a Pathogenic/Likely Pathogenic p.Gly1277Ser variant in CHD2 in an individual with myoclonic epilepsy, although additional clinical information was not available for that individual [PMID:31554424]. Given its presence de novo in the affected individual, absence in population databases, and in silico algorithms predicting a damaging effect, the c.3802C>T (p.Arg1268Cys) variant identified in the CHD2 gene is reported here as Likely Pathogenic.

NM_001271.4(CHD2):c.3802C>T (p.Arg1268Cys)

Gene: CHD2 (chromodomain helicase DNA binding protein 2; plus strand). Cytogenetic location: 15q26.1.
Variant type: single nucleotide variant.
Coding change: c.3802C>T on transcript NM_001271.4 (MANE Select); coding-DNA position 3802, C replaced by T.
Protein change: p.Arg1268Cys; replaces arginine 1268 with cysteine.
Molecular consequence: missense variant.
Genome position (GRCh38, 1-based): chr15:92,997,320, C>T. VCF-style: chr15-92997320-C-T. GRCh37 (hg19) VCF-style: chr15-93540550-C-T.
Other names: c.3802C>T (NM_001271.3); short protein forms R1268C.
Identifiers: ClinVar variation 1041269 (VCV001041269.12), dbSNP rs2054200789, ClinGen allele CA393898494.
Genomic context (GRCh38, chr15:92,997,320, plus strand): 5'-TTAACCTGTCGTGTCAAAGCTGCACATTTTGATGTAGAGTGGGGGGTGGAAGATGATTCT[C>T]GCCTGTTGCTGGGGATTTATGAACATGGCTATGGAAACTGGGAGTTAATTAAAACAGACC-3'
Protein context (NP_001262.3, residues 1258-1278): DVEWGVEDDS[Arg1268Cys]LLLGIYEHGY